The following is an entry in ClinVar:

ClinVar aggregate classification (germline): Uncertain significance. Review status: criteria provided, multiple submitters, no conflicts (2 of 4 stars). 3 submissions from 3 submitters: Uncertain significance (3). Last evaluated 2025-06-13.

Conditions:
Hereditary cancer-predisposing syndrome. Also called: Neoplastic Syndromes, Hereditary; Tumor predisposition; Hereditary neoplastic syndrome; Hereditary Cancer Syndrome. Identifiers: Orphanet 140162, MedGen C0027672, MeSH D009386, MONDO:0015356.
Hereditary nonpolyposis colorectal neoplasms. Identifiers: MedGen C0009405, MeSH D003123.

Allele frequency attached by ClinVar (database versions not stated): gnomAD exomes below 0.00001.
gnomAD v4.1: 2 of 1,612,684 alleles (0.00012%); highest among the groups gnomAD compares: South Asian, 0.0011%; no homozygotes.

Submissions (3):

Ambry Genetics
Classification: Uncertain significance for Hereditary cancer-predisposing syndrome. Last evaluated: 2025-06-13. Review status: criteria provided, single submitter. Criteria: Ambry Variant Classification Scheme 2023. Collection method: clinical testing. Allele origin: germline.
Comment: The p.G361R variant (also known as c.1081G>A), located in coding exon 10 of the PMS2 gene, results from a G to A substitution at nucleotide position 1081. The glycine at codon 361 is replaced by arginine, an amino acid with dissimilar properties. This amino acid position is not well conserved in available vertebrate species. In addition, the in silico prediction for this alteration is inconclusive. Since supporting evidence is limited at this time, the clinical significance of this alteration remains unclear.

Labcorp Genetics (formerly Invitae), Labcorp
Classification: Uncertain significance for Hereditary nonpolyposis colorectal neoplasms. Last evaluated: 2021-04-24. Review status: criteria provided, single submitter. Criteria: Invitae Variant Classification Sherloc (09022015). Collection method: clinical testing. Allele origin: germline.
Comment: In summary, the available evidence is currently insufficient to determine the role of this variant in disease. Therefore, it has been classified as a Variant of Uncertain Significance. Advanced modeling of protein sequence and biophysical properties (such as structural, functional, and spatial information, amino acid conservation, physicochemical variation, residue mobility, and thermodynamic stability) performed at Invitae indicates that this missense variant is not expected to disrupt PMS2 protein function. This variant has not been reported in the literature in individuals with PMS2-related conditions. ClinVar contains an entry for this variant (Variation ID: 628059). This variant is not present in population databases (ExAC no frequency). This sequence change replaces glycine with arginine at codon 361 of the PMS2 protein (p.Gly361Arg). The glycine residue is weakly conserved and there is a moderate physicochemical difference between glycine and arginine.

Color Diagnostics, LLC DBA Color Health
Classification: Uncertain significance for Hereditary cancer-predisposing syndrome. Last evaluated: 2019-04-05. Review status: criteria provided, single submitter. Criteria: ACMG Guidelines, 2015. Collection method: clinical testing. Allele origin: germline.

NM_000535.7(PMS2):c.1081G>A (p.Gly361Arg)

Gene: PMS2 (PMS1 homolog 2, mismatch repair system component; minus strand). Cytogenetic location: 7p22.1.
Variant type: single nucleotide variant.
Coding change: c.1081G>A on transcript NM_000535.7 (MANE Select); coding-DNA position 1081, G replaced by A.
Protein change: p.Gly361Arg; replaces glycine 361 with arginine.
Molecular consequence: missense variant. On other transcripts: non-coding transcript variant (1), intron variant (2).
Genome position (GRCh38, 1-based): chr7:5,989,863, C>T on the plus strand (G>A on the coding strand, the complement: PMS2 is on the minus strand). VCF-style: chr7-5989863-C-T. GRCh37 (hg19) VCF-style: chr7-6029494-C-T.
Other names: c.676G>A, p.Gly226Arg (NM_001322003.2, NM_001322004.2, NM_001322005.2 and 1 more transcripts); c.763G>A, p.Gly255Arg (NM_001322007.2, NM_001322008.2); c.148G>A, p.Gly50Arg (NM_001322011.2, NM_001322012.2); c.508G>A, p.Gly170Arg (NM_001322013.2); c.1081G>A, p.Gly361Arg (NM_001322014.2); c.772G>A, p.Gly258Arg (NM_001322015.2); c.583+2110G>A (NM_001322010.2); c.988+2110G>A (NM_001322006.2); short protein forms G361R, G226R, G50R, G170R, G255R, G258R.
Identifiers: ClinVar variation 628059 (VCV000628059.16), dbSNP rs1562644325, ClinGen allele CA366742852.
Genomic context (GRCh38, chr7:5,989,863, plus strand): 5'-CAACATCCAGCAGTGGCTGCTGACTGACATTTAGCTTGTTGACATCACTATCAAACATTC[C>T]TATCAAAGAGGTCTTTAAAACTGCCAACAAAAGCTTTTCCTCTTGTAGCAAAATTTGCCT-3'
Protein context (NP_000526.2, residues 351-371): LLAVLKTSLI[Gly361Arg]MFDSDVNKLN